The following is an entry in ClinVar:

NM_001367823.1(ARHGEF18):c.3193C>T (p.His1065Tyr)

Gene: ARHGEF18 (Rho/Rac guanine nucleotide exchange factor 18; plus strand). Cytogenetic location: 19p13.2.
Variant type: single nucleotide variant.
Coding change: c.3193C>T on transcript NM_001367823.1 (MANE Select); coding-DNA position 3193, C replaced by T.
Protein change: p.His1065Tyr; replaces histidine 1065 with tyrosine.
Molecular consequence: missense variant.
Genome position (GRCh38, 1-based): chr19:7,467,397, C>T. VCF-style: chr19-7467397-C-T. GRCh37 (hg19) VCF-style: chr19-7532283-C-T.
Other names: c.2467C>T, p.His823Tyr (NM_001130955.2); c.2155C>T, p.His719Tyr (NM_001367824.1, NM_015318.4); short protein forms H823Y, H719Y, H1065Y.
Identifiers: ClinVar variation 2135045 (VCV002135045.4), dbSNP rs1183854116, ClinGen allele CA403087804.

ClinVar aggregate classification (germline): Uncertain significance (1 of 4 stars; one submission).

gnomAD v4.1: 1 of 1,532,914 alleles (0.000065%); highest among the groups gnomAD compares: Admixed American, 0.002%; no homozygotes.

Submission:

Labcorp Genetics (formerly Invitae), Labcorp
Classification: Uncertain significance. Last evaluated: 2024-02-23. Review status: criteria provided, single submitter. Criteria: Invitae Variant Classification Sherloc (09022015). Collection method: clinical testing. Allele origin: germline.
Comment: This sequence change replaces histidine, which is basic and polar, with tyrosine, which is neutral and polar, at codon 877 of the ARHGEF18 protein (p.His877Tyr). The frequency data for this variant in the population databases is considered unreliable, as metrics indicate poor data quality at this position in the gnomAD database. This variant has not been reported in the literature in individuals affected with ARHGEF18-related conditions. ClinVar contains an entry for this variant (Variation ID: 2135045). An algorithm developed to predict the effect of missense changes on protein structure and function (PolyPhen-2) suggests that this variant is likely to be tolerated. In summary, the available evidence is currently insufficient to determine the role of this variant in disease. Therefore, it has been classified as a Variant of Uncertain Significance.